The following is an entry in ClinVar:

NM_000211.5(ITGB2):c.1880C>G (p.Ser627Cys)

Gene: ITGB2 (integrin subunit beta 2; minus strand). Cytogenetic location: 21q22.3.
Variant type: single nucleotide variant.
Coding change: c.1880C>G on transcript NM_000211.5 (MANE Select); coding-DNA position 1880, C replaced by G.
Protein change: p.Ser627Cys; replaces serine 627 with cysteine.
Molecular consequence: missense variant.
Genome position (GRCh38, 1-based): chr21:44,888,893, G>C on the plus strand (C>G on the coding strand, the complement: ITGB2 is on the minus strand). VCF-style: chr21-44888893-G-C. GRCh37 (hg19) VCF-style: chr21-46308808-G-C.
Other names: c.1880C>G, p.Ser627Cys (NM_001127491.3); c.1673C>G, p.Ser558Cys (NM_001303238.2); short protein forms S558C, S627C.
Identifiers: ClinVar variation 1375538 (VCV001375538.8), dbSNP rs964332173, ClinGen allele CA321892784.

ClinVar aggregate classification (germline): Uncertain significance (1 of 4 stars; one submission).

Conditions:
Leukocyte adhesion deficiency 1 (LAD1). Also called: LAD 1; Lymphocyte function-associated antigen 1 immunodeficiency; LFA 1 immunodeficiency; LEUKOCYTE ADHESION DEFICIENCY, TYPE I. Identifiers: Orphanet 2968, Orphanet 99842, MedGen C0398738, MONDO:0007293, OMIM 116920.

Allele frequency attached by ClinVar (database versions not stated): gnomAD exomes below 0.00001.
gnomAD v4.1: 1 of 1,603,334 alleles (0.000062%); highest among the groups gnomAD compares: Admixed American, 0.0017%; no homozygotes.

Submission:

Labcorp Genetics (formerly Invitae), Labcorp
Classification: Uncertain significance for Leukocyte adhesion deficiency 1. Last evaluated: 2022-11-08. Review status: criteria provided, single submitter. Criteria: Invitae Variant Classification Sherloc (09022015). Collection method: clinical testing. Allele origin: germline.
Comment: This sequence change replaces serine, which is neutral and polar, with cysteine, which is neutral and slightly polar, at codon 627 of the ITGB2 protein (p.Ser627Cys). This variant is present in population databases (no rsID available, gnomAD 0.003%). This variant has not been reported in the literature in individuals affected with ITGB2-related conditions. ClinVar contains an entry for this variant (Variation ID: 1375538). Algorithms developed to predict the effect of missense changes on protein structure and function are either unavailable or do not agree on the potential impact of this missense change (SIFT: "Tolerated"; PolyPhen-2: "Possibly Damaging"; Align-GVGD: "Class C0"). In summary, the available evidence is currently insufficient to determine the role of this variant in disease. Therefore, it has been classified as a Variant of Uncertain Significance.